The following is an entry in ClinVar:

ClinVar aggregate classification (germline): Uncertain significance (1 of 4 stars; one submission).

Conditions:
Amyotrophic lateral sclerosis type 6. Also called: AMYOTROPHIC LATERAL SCLEROSIS 6 WITHOUT FRONTOTEMPORAL DEMENTIA; Amyotrophic lateral sclerosis 6, with or without frontotemporal dementia; FUS-Related Amyotrophic Laterial Sclerosis. Identifiers: Orphanet 275872, Orphanet 803, MedGen C2931786, MONDO:0011951, OMIM 608030.

Submission:

MGZ Medical Genetics Center
Classification: Uncertain significance for Amyotrophic lateral sclerosis type 6. Last evaluated: 2022-02-10. Review status: criteria provided, single submitter. Criteria: ACMG Guidelines, 2015. Collection method: clinical testing. Allele origin: germline. Affected: yes. Observed: 1 variant allele.
Comment: ACMG criteria applied: PM2_SUP, PP2

NM_004960.4(FUS):c.636C>A (p.Asp212Glu)

Gene: FUS (FUS RNA binding protein; plus strand). Cytogenetic location: 16p11.2.
Variant type: single nucleotide variant.
Coding change: c.636C>A on transcript NM_004960.4 (MANE Select); coding-DNA position 636, C replaced by A.
Protein change: p.Asp212Glu; replaces aspartic acid 212 with glutamic acid.
Molecular consequence: missense variant. On other transcripts: non-coding transcript variant (1).
Genome position (GRCh38, 1-based): chr16:31,185,051, C>A. VCF-style: chr16-31185051-C-A. GRCh37 (hg19) VCF-style: chr16-31196372-C-A.
Other names: c.633C>A, p.Asp211Glu (NM_001170634.1); c.624C>A, p.Asp208Glu (NM_001170937.1); short protein forms D208E, D211E, D212E.
Identifiers: ClinVar variation 1709168 (VCV001709168.2), dbSNP rs147528034, ClinGen allele CA395669938.
Genomic context (GRCh38, chr16:31,185,051, plus strand): 5'-CGGTTATGGCAATCAAGACCAGAGTGGTGGAGGTGGCAGCGGTGGCTATGGACAGCAGGA[C>A]CGTGGAGGCCGCGGCAGGGGTGGCAGTGGTGGCGGCGGCGGCGGCGGCGGTGGTGGTTAC-3'
Protein context (NP_004951.1, residues 202-222): GGGSGGYGQQ[Asp212Glu]RGGRGRGGSG